The following is an entry in ClinVar:

ClinVar aggregate classification (germline): Likely benign (0 of 4 stars; one submission).

Conditions:
ADORA1-related disorder. Also called: ADORA1-related condition.

Allele frequency attached by ClinVar (database versions not stated): ESP Exome Variant Server 0.00023; gnomAD 0.00043; ExAC 0.00073; TOPMed 0.00083; 1000 Genomes Project 0.00240; 1000 Genomes Project 30x 0.00250.
gnomAD v4.1: 465 of 1,597,204 alleles (0.029%); highest among the groups gnomAD compares: East Asian, 0.56%; 6 homozygotes.

Submission:

PreventionGenetics, part of Exact Sciences
Classification: Likely benign for ADORA1-related condition. Last evaluated: 2019-02-22. Review status: no assertion criteria provided. Collection method: clinical testing. Allele origin: germline.
Comment: This variant is classified as likely benign based on ACMG/AMP sequence variant interpretation guidelines (Richards et al. 2015 PMID: 25741868, with internal and published modifications).

NM_000674.3(ADORA1):c.342-23C>T

Gene: ADORA1 (adenosine A1 receptor; plus strand). Cytogenetic location: 1q32.1.
Variant type: single nucleotide variant.
Coding change: c.342-23C>T on transcript NM_000674.3 (MANE Select); 23 bases into the intron before coding-DNA position 342, C replaced by T.
Molecular consequence: intron variant. On other transcripts: missense variant (1).
Genome position (GRCh38, 1-based): chr1:203,165,238, C>T. VCF-style: chr1-203165238-C-T. GRCh37 (hg19) VCF-style: chr1-203134366-C-T.
Other names: c.115C>T, p.His39Tyr (NM_001365065.1); c.-7-23C>T (NM_001365066.1); c.342-23C>T (NM_001048230.2); short protein forms H39Y.
Identifiers: ClinVar variation 3040183 (VCV003040183.2), dbSNP rs200347485, ClinGen allele CA1338381.